The following is an entry in ClinVar:

NM_213599.3(ANO5):c.1120-9T>G

Gene: ANO5 (anoctamin 5; plus strand). Cytogenetic location: 11p14.3.
Variant type: single nucleotide variant.
Coding change: c.1120-9T>G on transcript NM_213599.3 (MANE Select); 9 bases into the intron before coding-DNA position 1120, T replaced by G.
Molecular consequence: intron variant.
Genome position (GRCh38, 1-based): chr11:22,250,942, T>G. VCF-style: chr11-22250942-T-G. GRCh37 (hg19) VCF-style: chr11-22272488-T-G.
Other names: c.1117-9T>G (NM_001142649.2).
Identifiers: ClinVar variation 835158 (VCV000835158.10), dbSNP rs1334854466, ClinGen allele CA916082341.

ClinVar aggregate classification (germline): Uncertain significance (1 of 4 stars; one submission).

Conditions:
Autosomal recessive limb-girdle muscular dystrophy type 2L (LGMDR12). Also called: Limb-girdle muscular dystrophy, type 2L; Limb-Girdle Muscular Dystrophy R12 Anoctamin-5-Related (LGMD-R12); MUSCULAR DYSTROPHY, LIMB-GIRDLE, AUTOSOMAL RECESSIVE 12. Identifiers: Orphanet 206549, MedGen C1969785, MONDO:0012652, OMIM 611307.
Gnathodiaphyseal dysplasia (GDD). Also called: OSTEOGENESIS IMPERFECTA WITH UNUSUAL SKELETAL LESIONS; GNATHODIAPHYSEAL SCLEROSIS. Identifiers: Orphanet 53697, MedGen C1833736, MONDO:0008151, OMIM 166260.

gnomAD v4.1: 1 of 1,612,116 alleles (0.000062%); highest among the groups gnomAD compares: Non-Finnish European, 0.000085%; no homozygotes.

Submission:

Labcorp Genetics (formerly Invitae), Labcorp
Classification: Uncertain significance for Autosomal recessive limb-girdle muscular dystrophy type 2L; Gnathodiaphyseal dysplasia. Last evaluated: 2022-08-09. Review status: criteria provided, single submitter. Criteria: Invitae Variant Classification Sherloc (09022015). Collection method: clinical testing. Allele origin: germline.
Comment: ClinVar contains an entry for this variant (Variation ID: 835158). Algorithms developed to predict the effect of sequence changes on RNA splicing suggest that this variant may disrupt the consensus splice site. In summary, the available evidence is currently insufficient to determine the role of this variant in disease. Therefore, it has been classified as a Variant of Uncertain Significance. This variant has been observed in individual(s) with autosomal recessive distal myopathy (PMID: 23670307). This variant is not present in population databases (gnomAD no frequency). This sequence change falls in intron 11 of the ANO5 gene. It does not directly change the encoded amino acid sequence of the ANO5 protein.

Literature cited by the submitters: PubMed 23670307.